The following is an entry in ClinVar:

NM_032383.5(HPS3):c.602T>C (p.Met201Thr)

Gene: HPS3 (HPS3 biogenesis of lysosomal organelles complex 2 subunit 1; plus strand). Cytogenetic location: 3q24.
Variant type: single nucleotide variant.
Coding change: c.602T>C on transcript NM_032383.5 (MANE Select); coding-DNA position 602, T replaced by C.
Protein change: p.Met201Thr; replaces methionine 201 with threonine.
Molecular consequence: missense variant. On other transcripts: intron variant (1).
Genome position (GRCh38, 1-based): chr3:149,140,388, T>C. VCF-style: chr3-149140388-T-C. GRCh37 (hg19) VCF-style: chr3-148858175-T-C.
Other names: c.218-629T>C (NM_001308258.2); c.602T>C (NM_032383.3); short protein forms M201T.
Identifiers: ClinVar variation 2146601 (VCV002146601.5), dbSNP rs149094990, ClinGen allele CA2659838.

ClinVar aggregate classification (germline): Conflicting classifications of pathogenicity. Review status: criteria provided, conflicting classifications (1 of 4 stars). 3 submissions from 3 submitters: Uncertain significance (2); Likely benign (1). Last evaluated 2025-07-01.

Conditions:
Inborn genetic diseases. Identifiers: MedGen C0950123, MeSH D030342.

Allele frequency attached by ClinVar (database versions not stated): gnomAD exomes 0.00001; ExAC 0.00007; 1000 Genomes Project 30x 0.00016; 1000 Genomes Project 0.00020; TOPMed 0.00022; ESP Exome Variant Server 0.00023; gnomAD 0.00023.
gnomAD v4.1: 56 of 1,610,532 alleles (0.0035%); highest among the groups gnomAD compares: African/African-American, 0.068%; 1 homozygote.

Submissions (3):

Ambry Genetics
Classification: Uncertain significance for Inborn genetic diseases. Last evaluated: 2025-07-01. Review status: criteria provided, single submitter. Criteria: Ambry Variant Classification Scheme 2023. Collection method: clinical testing. Allele origin: germline.

Blueprint Genetics
Classification: Likely benign. Last evaluated: 2022-06-14. Review status: criteria provided, single submitter. Criteria: ACMG Guidelines, 2015. Collection method: clinical testing. Allele origin: germline.

Labcorp Genetics (formerly Invitae), Labcorp
Classification: Uncertain significance. Last evaluated: 2022-05-25. Review status: criteria provided, single submitter. Criteria: Invitae Variant Classification Sherloc (09022015). Collection method: clinical testing. Allele origin: germline.
Comment: This sequence change replaces methionine, which is neutral and non-polar, with threonine, which is neutral and polar, at codon 201 of the HPS3 protein (p.Met201Thr). This variant is present in population databases (rs149094990, gnomAD 0.08%). This variant has not been reported in the literature in individuals affected with HPS3-related conditions. Algorithms developed to predict the effect of missense changes on protein structure and function are either unavailable or do not agree on the potential impact of this missense change (SIFT: "Tolerated"; PolyPhen-2: "Possibly Damaging"; Align-GVGD: "Class C0"). In summary, the available evidence is currently insufficient to determine the role of this variant in disease. Therefore, it has been classified as a Variant of Uncertain Significance.